The following is an entry in ClinVar:

NM_001199138.2(NLRC4):c.1683A>C (p.Leu561Phe)

Gene: NLRC4 (NLR family CARD domain containing 4; minus strand). Cytogenetic location: 2p22.3.
Variant type: single nucleotide variant.
Coding change: c.1683A>C on transcript NM_001199138.2 (MANE Select); coding-DNA position 1683, A replaced by C.
Protein change: p.Leu561Phe; replaces leucine 561 with phenylalanine.
Molecular consequence: missense variant. On other transcripts: intron variant (1).
Genome position (GRCh38, 1-based): chr2:32,250,181, T>G on the plus strand (A>C on the coding strand, the complement: NLRC4 is on the minus strand). VCF-style: chr2-32250181-T-G. GRCh37 (hg19) VCF-style: chr2-32475250-T-G.
Other names: c.1683A>C, p.Leu561Phe (NM_001199139.2, NM_021209.5); c.262+2238A>C (NM_001302504.1); short protein forms L561F.
Identifiers: ClinVar variation 1347008 (VCV001347008.6), dbSNP rs148632046, ClinGen allele CA346511936.
Genomic context (GRCh38, chr2:32,250,181, plus strand): 5'-ACCTTGAAAGAAAGCTTCAAATTCTTGGCTCAGGGCTGATTTGGATGTACTCTCTTGATA[T>G]AAATGGATGCCACACTCTACAAAGGAATTGATGTTTATGGCTTTCAGAATTTCTTGCTCA-3'
Protein context (NP_001186067.1, residues 551-571): INSFVECGIH[Leu561Phe]YQESTSKSAL

ClinVar aggregate classification (germline): Uncertain significance (1 of 4 stars; one submission).

Conditions:
Familial cold autoinflammatory syndrome 4 (FCAS4). Identifiers: Orphanet 47045, Orphanet 576349, MedGen C4015276, MONDO:0014498, OMIM 616115.
Periodic fever-infantile enterocolitis-autoinflammatory syndrome. Also called: Autoinflammation with infantile enterocolitis. Identifiers: Orphanet 436166, MedGen C4015067, MONDO:0014472, OMIM 616050.

Submission:

Labcorp Genetics (formerly Invitae), Labcorp
Classification: Uncertain significance for Periodic fever-infantile enterocolitis-autoinflammatory syndrome; Familial cold autoinflammatory syndrome 4. Last evaluated: 2022-08-23. Review status: criteria provided, single submitter. Criteria: Invitae Variant Classification Sherloc (09022015). Collection method: clinical testing. Allele origin: germline.
Comment: This sequence change replaces leucine, which is neutral and non-polar, with phenylalanine, which is neutral and non-polar, at codon 561 of the NLRC4 protein (p.Leu561Phe). This variant is not present in population databases (gnomAD no frequency). This variant has not been reported in the literature in individuals affected with NLRC4-related conditions. ClinVar contains an entry for this variant (Variation ID: 1347008). Algorithms developed to predict the effect of missense changes on protein structure and function are either unavailable or do not agree on the potential impact of this missense change (SIFT: "Deleterious"; PolyPhen-2: "Benign"; Align-GVGD: "Class C15"). In summary, the available evidence is currently insufficient to determine the role of this variant in disease. Therefore, it has been classified as a Variant of Uncertain Significance.